The following is an entry in ClinVar:

NM_000660.7(TGFB1):c.722C>T (p.Thr241Ile)

Gene: TGFB1 (transforming growth factor beta 1; minus strand). Cytogenetic location: 19q13.2.
Variant type: single nucleotide variant.
Coding change: c.722C>T on transcript NM_000660.7 (MANE Select); coding-DNA position 722, C replaced by T.
Protein change: p.Thr241Ile; replaces threonine 241 with isoleucine.
Molecular consequence: missense variant.
Genome position (GRCh38, 1-based): chr19:41,342,021, G>A on the plus strand (C>T on the coding strand, the complement: TGFB1 is on the minus strand). VCF-style: chr19-41342021-G-A. GRCh37 (hg19) VCF-style: chr19-41847926-G-A.
Other names: short protein forms T241I.
Identifiers: ClinVar variation 1431578 (VCV001431578.7), dbSNP rs72480424, ClinGen allele CA9460000.

ClinVar aggregate classification (germline): Conflicting classifications of pathogenicity. Review status: criteria provided, conflicting classifications (1 of 4 stars). 2 submissions from 2 submitters: Uncertain significance (1); Likely benign (1). Last evaluated 2026-02-01.

Allele frequency attached by ClinVar (database versions not stated): gnomAD exomes 0.00006 and 0.00008; ExAC 0.00009; TOPMed 0.00009; gnomAD 0.00012 and 0.00013; ESP Exome Variant Server 0.00015.
gnomAD v4.1: 108 of 1,614,074 alleles (0.0067%); highest among the groups gnomAD compares: Admixed American, 0.015%; no homozygotes.

Submissions (2):

Labcorp Genetics (formerly Invitae), Labcorp
Classification: Uncertain significance. Last evaluated: 2026-02-01. Review status: criteria provided, single submitter. Criteria: Invitae Variant Classification Sherloc (09022015). Collection method: clinical testing. Allele origin: germline.
Comment: This sequence change replaces threonine, which is neutral and polar, with isoleucine, which is neutral and non-polar, at codon 241 of the TGFB1 protein (p.Thr241Ile). This variant is present in population databases (rs72480424, gnomAD 0.01%). This missense change has been observed in individual(s) with otosclerosis (PMID: 19207109). ClinVar contains an entry for this variant (Variation ID: 1431578). Invitae Evidence Modeling of protein sequence and biophysical properties (such as structural, functional, and spatial information, amino acid conservation, physicochemical variation, residue mobility, and thermodynamic stability) indicates that this missense variant is not expected to disrupt TGFB1 protein function with a negative predictive value of 80%. In summary, the available evidence is currently insufficient to determine the role of this variant in disease. Therefore, it has been classified as a Variant of Uncertain Significance.

Blueprint Genetics
Classification: Likely benign. Last evaluated: 2024-05-09. Review status: criteria provided, single submitter. Criteria: ACMG Guidelines, 2015. Collection method: clinical testing. Allele origin: germline.

Literature cited by the submitters: PubMed 19207109 (cited by Labcorp Genetics (formerly Invitae), Labcorp).